The following is an entry in ClinVar:

ClinVar aggregate classification (germline): Conflicting classifications of pathogenicity. Review status: criteria provided, conflicting classifications (1 of 4 stars). 3 submissions from 3 submitters: Pathogenic (2); Uncertain significance (1). Last evaluated 2024-09-30.

Conditions:
Inborn genetic diseases. Identifiers: MedGen C0950123, MeSH D030342.
SCYL1-related disorder. Also called: SCYL1-related condition.

Allele frequency attached by ClinVar (database versions not stated): TOPMed 0.00002; ExAC 0.00003; gnomAD 0.00003 and 0.00004; gnomAD exomes 0.00003 and 0.00004; ESP Exome Variant Server 0.00008.

Submissions (3):

Blueprint Genetics
Classification: Pathogenic for SCYL1-related disorders. Last evaluated: 2024-09-30. Review status: criteria provided, single submitter. Criteria: ACMG Guidelines, 2015. Collection method: clinical testing. Allele origin: germline. Affected: yes. Observed: 5 variant alleles.

GeneDx
Classification: Uncertain significance. Last evaluated: 2019-05-01. Review status: criteria provided, single submitter. Criteria: GeneDx Variant Classification Process June 2021. Collection method: clinical testing. Allele origin: germline. Affected: yes.
Comment: Frameshift variant predicted to result in nonsense mediated decay in a gene for which loss-of-function is a known mechanism of disease; Has not been previously published as pathogenic or benign to our knowledge

Ambry Genetics
Classification: Pathogenic for Inborn genetic diseases. Last evaluated: 2018-11-27. Review status: criteria provided, single submitter. Criteria: Ambry exome assertion method (8-5-2015). Collection method: clinical testing. Allele origin: germline. Affected: yes. Observed: 1 variant allele.

NM_020680.4(SCYL1):c.399del (p.Asn133fs)

Gene: SCYL1 (SCY1 like pseudokinase 1; plus strand). Cytogenetic location: 11q13.1.
Variant type: Deletion.
Coding change: c.399del on transcript NM_020680.4 (MANE Select); coding-DNA position 399, one base deleted (C; older notation c.399delC).
Protein change: p.Asn133fs; shifts the reading frame from asparagine 133.
Molecular consequence: frameshift variant.
Genome position (GRCh38, 1-based): chr11:65,526,147, C deleted. VCF-style (leftmost placement, unchanged base first): chr11-65526146-AC-A. GRCh37 (hg19) VCF-style: chr11-65293617-AC-A.
Other names: c.399del, p.Asn133fs (NM_001048218.2); c.399delC (NM_020680.3); short protein forms N133fs.
Identifiers: ClinVar variation 422875 (VCV000422875.7), dbSNP rs755131489, ClinGen allele CA6099492.